The following is an entry in ClinVar:

ClinVar aggregate classification (germline): Uncertain significance. Review status: criteria provided, multiple submitters, no conflicts (2 of 4 stars). 2 submissions from 2 submitters: Uncertain significance (2). Last evaluated 2025-10-21.

Conditions:
Immunodeficiency, common variable, 10. Also called: DEFICIT IN ANTERIOR PITUITARY FUNCTION AND VARIABLE IMMUNODEFICIENCY; IMMUNODEFICIENCY, COMMON VARIABLE, WITH CENTRAL ADRENAL INSUFFICIENCY. Identifiers: MedGen C3809991, MONDO:0014260, OMIM 615577.
Inborn genetic diseases. Identifiers: MedGen C0950123, MeSH D030342.

Allele frequency attached by ClinVar (database versions not stated): TOPMed below 0.00001; gnomAD 0.00001; gnomAD exomes 0.00001.
gnomAD v4.1: 15 of 1,498,054 alleles (0.001%); highest among the groups gnomAD compares: Non-Finnish European, 0.0013%; no homozygotes.

Submissions (2):

Labcorp Genetics (formerly Invitae), Labcorp
Classification: Uncertain significance for Immunodeficiency, common variable, 10. Last evaluated: 2025-10-21. Review status: criteria provided, single submitter. Criteria: Invitae Variant Classification Sherloc (09022015). Collection method: clinical testing. Allele origin: germline.
Comment: This sequence change replaces glutamine, which is neutral and polar, with histidine, which is basic and polar, at codon 441 of the NFKB2 protein (p.Gln441His). This variant is not present in population databases (gnomAD no frequency). This variant has not been reported in the literature in individuals affected with NFKB2-related conditions. ClinVar contains an entry for this variant (Variation ID: 1372850). An algorithm developed to predict the effect of missense changes on protein structure and function outputs the following: PolyPhen-2: "Benign". The histidine amino acid residue is found in multiple mammalian species, which suggests that this missense change does not adversely affect protein function. In summary, the available evidence is currently insufficient to determine the role of this variant in disease. Therefore, it has been classified as a Variant of Uncertain Significance.

Ambry Genetics
Classification: Uncertain significance for Inborn genetic diseases. Last evaluated: 2025-08-15. Review status: criteria provided, single submitter. Criteria: Ambry Variant Classification Scheme 2023. Collection method: clinical testing. Allele origin: germline.

NM_001322934.2(NFKB2):c.1323G>T (p.Gln441His)

Genes: NFKB2 (nuclear factor kappa B subunit 2; plus strand), LOC130004599 (ATAC-STARR-seq lymphoblastoid silent region 2756; plus strand). Cytogenetic location: 10q24.32.
Variant type: single nucleotide variant.
Coding change: c.1323G>T on transcript NM_001322934.2 (MANE Select); coding-DNA position 1323, G replaced by T.
Protein change: p.Gln441His; replaces glutamine 441 with histidine.
Molecular consequence: missense variant.
Genome position (GRCh38, 1-based): chr10:102,399,493, G>T. VCF-style: chr10-102399493-G-T. GRCh37 (hg19) VCF-style: chr10-104159250-G-T.
Other names: c.1323G>T (NM_001077494.1); c.1323G>T, p.Gln441His (NM_001077494.3, NM_001261403.3, NM_001288724.1 and 1 more transcripts); c.1197G>T, p.Gln399His (NM_001322935.1); short protein forms Q441H, Q399H.
Identifiers: ClinVar variation 1372850 (VCV001372850.9), dbSNP rs1175561541, ClinGen allele CA377899369.